The following is an entry in ClinVar:

NM_002691.4(POLD1):c.203-3C>T

Gene: POLD1 (DNA polymerase delta 1, catalytic subunit; plus strand). Cytogenetic location: 19q13.33.
Variant type: single nucleotide variant.
Coding change: c.203-3C>T on transcript NM_002691.4 (MANE Select); 3 bases into the intron before coding-DNA position 203, C replaced by T.
Molecular consequence: intron variant.
Genome position (GRCh38, 1-based): chr19:50,399,368, C>T. VCF-style: chr19-50399368-C-T. GRCh37 (hg19) VCF-style: chr19-50902625-C-T.
Other names: c.203-3C>T (NM_001256849.1, NM_001438212.1, NM_001438213.1 and 3 more transcripts).
Identifiers: ClinVar variation 4770425 (VCV004770425.1).

ClinVar aggregate classification (germline): Uncertain significance (1 of 4 stars; one submission).

Conditions:
POLD1-related polyposis and colorectal cancer syndrome (CRCS10). Also called: COLORECTAL CANCER, SUSCEPTIBILITY TO, ON CHROMOSOME 19q; Colorectal cancer 10; Colorectal cancer, susceptibility to, 10. Identifiers: Orphanet 220460, MedGen C2675481, MONDO:0012953, OMIM 612591.

gnomAD v4.1: 1 of 1,610,250 alleles (0.000062%); highest among the groups gnomAD compares: Non-Finnish European, 0.000085%; no homozygotes.

Submission:

Labcorp Genetics (formerly Invitae), Labcorp
Classification: Uncertain significance for POLD1-related polyposis and colorectal cancer syndrome. Last evaluated: 2025-10-21. Review status: criteria provided, single submitter. Criteria: Invitae Variant Classification Sherloc (09022015). Collection method: clinical testing. Allele origin: germline.
Comment: This sequence change falls in intron 2 of the POLD1 gene. It does not directly change the encoded amino acid sequence of the POLD1 protein. It affects a nucleotide within the consensus splice site. This variant is not present in population databases (gnomAD no frequency). This variant has not been reported in the literature in individuals affected with POLD1-related conditions. Variants that disrupt the consensus splice site are a relatively common cause of aberrant splicing (PMID: 17576681, 9536098). Algorithms developed to predict the effect of sequence changes on RNA splicing suggest that this variant is not likely to affect RNA splicing. In summary, the available evidence is currently insufficient to determine the role of this variant in disease. Therefore, it has been classified as a Variant of Uncertain Significance.

Literature cited by the submitters: PubMed 17576681; PubMed 9536098.